The following is an entry in ClinVar:

ClinVar aggregate classification (germline): Uncertain significance (1 of 4 stars; one submission).

Submission:

Labcorp Genetics (formerly Invitae), Labcorp
Classification: Uncertain significance. Last evaluated: 2022-01-03. Review status: criteria provided, single submitter. Criteria: Invitae Variant Classification Sherloc (09022015). Collection method: clinical testing. Allele origin: germline.
Comment: This variant has not been reported in the literature in individuals affected with ASAH1-related conditions. In summary, the available evidence is currently insufficient to determine the role of this variant in disease. Therefore, it has been classified as a Variant of Uncertain Significance. Algorithms developed to predict the effect of missense changes on protein structure and function output the following: SIFT: "Tolerated"; PolyPhen-2: "Benign"; Align-GVGD: "Class C0". The valine amino acid residue is found in multiple mammalian species, which suggests that this missense change does not adversely affect protein function. This variant is not present in population databases (gnomAD no frequency). This sequence change replaces leucine, which is neutral and non-polar, with valine, which is neutral and non-polar, at codon 221 of the ASAH1 protein (p.Leu221Val).

NM_177924.5(ASAH1):c.661C>G (p.Leu221Val)

Gene: ASAH1 (N-acylsphingosine amidohydrolase 1; minus strand). Cytogenetic location: 8p22.
Variant type: single nucleotide variant.
Coding change: c.661C>G on transcript NM_177924.5 (MANE Select); coding-DNA position 661, C replaced by G.
Protein change: p.Leu221Val; replaces leucine 221 with valine.
Molecular consequence: missense variant.
Genome position (GRCh38, 1-based): chr8:18,061,728, G>C on the plus strand (C>G on the coding strand, the complement: ASAH1 is on the minus strand). VCF-style: chr8-18061728-G-C. GRCh37 (hg19) VCF-style: chr8-17919237-G-C.
Other names: c.643C>G, p.Leu215Val (NM_001127505.3); c.466C>G, p.Leu156Val (NM_001363743.2); c.709C>G, p.Leu237Val (NM_004315.6); short protein forms L156V, L215V, L221V, L237V.
Identifiers: ClinVar variation 2072036 (VCV002072036.4), dbSNP rs2537924946, ClinGen allele CA370429699.